The following is an entry in ClinVar:

NM_014855.3(AP5Z1):c.1097T>C (p.Val366Ala)

Gene: AP5Z1 (adaptor related protein complex 5 subunit zeta 1; plus strand). Cytogenetic location: 7p22.1.
Variant type: single nucleotide variant.
Coding change: c.1097T>C on transcript NM_014855.3 (MANE Select); coding-DNA position 1097, T replaced by C.
Protein change: p.Val366Ala; replaces valine 366 with alanine.
Molecular consequence: missense variant. On other transcripts: non-coding transcript variant (1).
Genome position (GRCh38, 1-based): chr7:4,785,649, T>C. VCF-style: chr7-4785649-T-C. GRCh37 (hg19) VCF-style: chr7-4825280-T-C.
Other names: c.629T>C, p.Val210Ala (NM_001364858.1); short protein forms V366A, V210A.
Identifiers: ClinVar variation 953795 (VCV000953795.9), dbSNP rs1308876232, ClinGen allele CA366661464.
Genomic context (GRCh38, chr7:4,785,649, plus strand): 5'-GTCTCTCCTGCCTGAAGGCCCTGCACGGGCGGGTGCGCGGGGACCCGGCCTCTGTGCGGG[T>C]GCTGCTGCCCCTCGCCCACTTCTTCCTGAGCCACGGTGAGCCCAGGGTGGGGTGGCGCTG-3'
Protein context (NP_055670.1, residues 356-376): RVRGDPASVR[Val366Ala]LLPLAHFFLS

ClinVar aggregate classification (germline): Uncertain significance (1 of 4 stars; one submission).

Conditions:
Hereditary spastic paraplegia 48. Also called: Spastic paraplegia 48; SPASTIC PARAPLEGIA 48, AUTOSOMAL RECESSIVE. Identifiers: Orphanet 306511, MedGen C3150901, MONDO:0013342, OMIM 613647.

Allele frequency attached by ClinVar (database versions not stated): gnomAD exomes below 0.00001; TOPMed below 0.00001; gnomAD 0.00001.
gnomAD v4.1: 2 of 1,557,922 alleles (0.00013%); highest among the groups gnomAD compares: Non-Finnish European, 0.00017%; no homozygotes.

Submission:

Labcorp Genetics (formerly Invitae), Labcorp
Classification: Uncertain significance for Hereditary spastic paraplegia 48. Last evaluated: 2019-09-30. Review status: criteria provided, single submitter. Criteria: Invitae Variant Classification Sherloc (09022015). Collection method: clinical testing. Allele origin: germline.
Comment: Algorithms developed to predict the effect of missense changes on protein structure and function output the following: SIFT: "Tolerated"; PolyPhen-2: "Benign"; Align-GVGD: "Class C0". The alanine amino acid residue is found in multiple mammalian species, suggesting that this missense change does not adversely affect protein function. These predictions have not been confirmed by published functional studies and their clinical significance is uncertain. In summary, the available evidence is currently insufficient to determine the role of this variant in disease. Therefore, it has been classified as a Variant of Uncertain Significance. This variant has not been reported in the literature in individuals with AP5Z1-related conditions. The frequency data for this variant in the population databases is considered unreliable, as metrics indicate insufficient coverage at this position in the ExAC database. This sequence change replaces valine with alanine at codon 366 of the AP5Z1 protein (p.Val366Ala). The valine residue is weakly conserved and there is a small physicochemical difference between valine and alanine.